The following is an entry in ClinVar:

ClinVar aggregate classification (germline): Benign (1 of 4 stars; one submission).

Submission:

CeGaT Center for Human Genetics Tuebingen
Classification: Benign. Last evaluated: 2026-05-01. Review status: criteria provided, single submitter. Criteria: CeGaT Center For Human Genetics Tuebingen Variant Classification Criteria Version 2. Collection method: clinical testing. Allele origin: germline. Affected: yes. Observed: 5 variant alleles.
Comment: BMPR2: BS1, BS2

NM_001204.7(BMPR2):c.-963GGC[16]

Genes: BMPR2 (bone morphogenetic protein receptor type 2; plus strand), LOC129935432 (ATAC-STARR-seq lymphoblastoid silent region 12242; plus strand). Cytogenetic location: 2q33.1.
Variant type: Microsatellite.
Coding change: c.-963GGC[16] on transcript NM_001204.7 (MANE Select); 16 copies in a row of the 3-base unit GGC starting at c.-963; the reference has 12 copies in a row; four copies, 12 bases duplicated.
Molecular consequence: 5 prime UTR variant.
Genome position (GRCh38, 1-based): chr2:202,376,536-202,376,547, GGCGGCGGCGGC duplicated; duplicating any 12 consecutive bases within chr2:202,376,512-202,376,547 gives the same sequence; the position shown is the placement nearest the transcript's 3' end. VCF-style (leftmost placement, unchanged base first): chr2-202376511-A-AGGCGGCGGCGGC. GRCh37 (hg19) VCF-style: chr2-203241234-A-AGGCGGCGGCGGC.
Identifiers: ClinVar variation 2651825 (VCV002651825.23), dbSNP rs375624016, ClinGen allele CA430891485.
Genomic context (GRCh38, chr2:202,376,511, plus strand): 5'-CCCCCGCCCTCGGTCCGCGACGCCCGAGTTCCGTCAGGAGCCCAGAGCTGCGGGAGAACG[A>AGGCGGCGGCGGC]GGCGGCGGCGGCGGCGGCGGCGGCGGCGGCGGCGGCAGCAGCAGCGGCTTCCTCGGGGGG-3'